The following is an entry in ClinVar:

ClinVar aggregate classification (germline): Uncertain significance (1 of 4 stars; one submission).

Conditions:
Progressive sclerosing poliodystrophy (MTDPS4A). Also called: ALPERS PROGRESSIVE INFANTILE POLIODYSTROPHY; NEURONAL DEGENERATION OF CHILDHOOD WITH LIVER DISEASE, PROGRESSIVE; Alpers Syndrome; ALPERS DIFFUSE DEGENERATION OF CEREBRAL GRAY MATTER WITH HEPATIC CIRRHOSIS; Alpers-Huttenlocher Syndrome; Mitochondrial DNA depletion syndrome 4A (Alpers type). Identifiers: Orphanet 726, MedGen C0205710, MONDO:0008758, OMIM 203700.

Submission:

Labcorp Genetics (formerly Invitae), Labcorp
Classification: Uncertain significance for Progressive sclerosing poliodystrophy. Last evaluated: 2024-06-10. Review status: criteria provided, single submitter. Criteria: Invitae Variant Classification Sherloc (09022015). Collection method: clinical testing. Allele origin: germline.
Comment: This sequence change replaces alanine, which is neutral and non-polar, with aspartic acid, which is acidic and polar, at codon 1082 of the POLG protein (p.Ala1082Asp). This variant is not present in population databases (gnomAD no frequency). This variant has not been reported in the literature in individuals affected with POLG-related conditions. Advanced modeling of protein sequence and biophysical properties (such as structural, functional, and spatial information, amino acid conservation, physicochemical variation, residue mobility, and thermodynamic stability) performed at Invitae indicates that this missense variant is expected to disrupt POLG protein function with a positive predictive value of 95%. In summary, the available evidence is currently insufficient to determine the role of this variant in disease. Therefore, it has been classified as a Variant of Uncertain Significance.

NM_002693.3(POLG):c.3245C>A (p.Ala1082Asp)

Gene: POLG (DNA polymerase gamma, catalytic subunit; minus strand). Cytogenetic location: 15q26.1.
Variant type: single nucleotide variant.
Coding change: c.3245C>A on transcript NM_002693.3 (MANE Select); coding-DNA position 3245, C replaced by A.
Protein change: p.Ala1082Asp; replaces alanine 1082 with aspartic acid.
Molecular consequence: missense variant.
Genome position (GRCh38, 1-based): chr15:89,318,959, G>T on the plus strand (C>A on the coding strand, the complement: POLG is on the minus strand). VCF-style: chr15-89318959-G-T. GRCh37 (hg19) VCF-style: chr15-89862190-G-T.
Other names: c.3245C>A, p.Ala1082Asp (NM_001126131.2); short protein forms A1082D.
Identifiers: ClinVar variation 3636630 (VCV003636630.2).